The following is an entry in ClinVar:

NM_004370.6(COL12A1):c.8971_8973dup (p.Thr2991_Gly2992insThr)

Gene: COL12A1 (collagen type XII alpha 1 chain; minus strand). Cytogenetic location: 6q13.
Variant type: Duplication.
Coding change: c.8971_8973dup on transcript NM_004370.6 (MANE Select); coding-DNA positions 8971 to 8973, 3 bases duplicated (ACT; older notation c.8971_8973dupACT).
Protein change: p.Thr2991_Gly2992insThr.
Molecular consequence: inframe insertion.
Genome position (GRCh38, 1-based): chr6:75,089,143-75,089,145, AGT duplicated on the plus strand (ACT on the coding strand, the reverse complement: COL12A1 is on the minus strand); duplicating any 3 consecutive bases within chr6:75,089,143-75,089,146 gives the same sequence; the c. name uses the placement nearest the transcript's 3' end. VCF-style (leftmost placement, unchanged base first): chr6-75089142-C-CAGT. GRCh37 (hg19) VCF-style: chr6-75798858-C-CAGT.
Other names: c.8971_8973dup, p.Thr2991_Gly2992insThr (NM_001424113.1); c.8950_8952dup, p.Thr2984_Gly2985insThr (NM_001424114.1); c.8698_8700dup, p.Thr2900_Gly2901insThr (NM_001424115.1); c.5479_5481dup, p.Thr1827_Gly1828insThr (NM_001424116.1, NM_080645.3).
Identifiers: ClinVar variation 3760224 (VCV003760224.2).

ClinVar aggregate classification (germline): Uncertain significance (1 of 4 stars; one submission).

Conditions:
Ullrich congenital muscular dystrophy 2 (UCMD2). Identifiers: Orphanet 75840, MedGen C4225314, MONDO:0014654, OMIM 616470.
Bethlem myopathy 2 (BTHLM2). Identifiers: Orphanet 536516, Orphanet 610, MedGen C4225313, MONDO:0034022, OMIM 616471.

Submission:

Labcorp Genetics (formerly Invitae), Labcorp
Classification: Uncertain significance for Bethlem myopathy 2; Ullrich congenital muscular dystrophy 2. Last evaluated: 2025-01-01. Review status: criteria provided, single submitter. Criteria: Invitae Variant Classification Sherloc (09022015). Collection method: clinical testing. Allele origin: germline.
Comment: This variant, c.8971_8973dup, results in the insertion of 1 amino acid(s) of the COL12A1 protein (p.Thr2991dup), but otherwise preserves the integrity of the reading frame. This variant is not present in population databases (gnomAD no frequency). This variant has not been reported in the literature in individuals affected with COL12A1-related conditions. In summary, the available evidence is currently insufficient to determine the role of this variant in disease. Therefore, it has been classified as a Variant of Uncertain Significance.